The following is an entry in ClinVar:

NM_022437.3(ABCG8):c.1736A>T (p.Asn579Ile)

Gene: ABCG8 (ATP binding cassette subfamily G member 8; plus strand). Cytogenetic location: 2p21.
Variant type: single nucleotide variant.
Coding change: c.1736A>T on transcript NM_022437.3 (MANE Select); coding-DNA position 1736, A replaced by T.
Protein change: p.Asn579Ile; replaces asparagine 579 with isoleucine.
Molecular consequence: missense variant.
Genome position (GRCh38, 1-based): chr2:43,875,393, A>T. VCF-style: chr2-43875393-A-T. GRCh37 (hg19) VCF-style: chr2-44102532-A-T.
Other names: p.Asn579Ile; c.1733A>T, p.Asn578Ile (NM_001357321.2); short protein forms N579I, N578I.
Identifiers: ClinVar variation 336088 (VCV000336088.6), dbSNP rs767847167, ClinGen allele CA1637608.

ClinVar aggregate classification (germline): Uncertain significance. Review status: criteria provided, multiple submitters, no conflicts (2 of 4 stars). 2 submissions from 2 submitters: Uncertain significance (2). Last evaluated 2023-02-23.

Conditions:
Sitosterolemia 1. Identifiers: MedGen C2749759, MONDO:0020747, OMIM 210250.

Allele frequency attached by ClinVar (database versions not stated): gnomAD exomes 0.00002 and 0.00005; ExAC 0.00003; TOPMed 0.00005; gnomAD 0.00006 and 0.00007.

Submissions (2):

Mayo Clinic Laboratories, Mayo Clinic
Classification: Uncertain significance. Last evaluated: 2023-02-23. Review status: criteria provided, single submitter. Criteria: ACMG Guidelines, 2015. Collection method: clinical testing. Allele origin: germline. Observed: 1 variant allele.
Comment: BP4, PM2

Illumina Laboratory Services, Illumina
Classification: Uncertain significance for Sitosterolemia 1. Last evaluated: 2018-01-13. Review status: criteria provided, single submitter. Criteria: ICSL Variant Classification Criteria 13 December 2019. Collection method: clinical testing. Allele origin: germline.